The following is an entry in ClinVar:

ClinVar aggregate classification (germline): Uncertain significance (1 of 4 stars; one submission).

Conditions:
Hereditary cancer-predisposing syndrome. Also called: Neoplastic Syndromes, Hereditary; Tumor predisposition; Hereditary neoplastic syndrome; Hereditary Cancer Syndrome. Identifiers: Orphanet 140162, MedGen C0027672, MeSH D009386, MONDO:0015356.

gnomAD v4.1: 5 of 1,598,508 alleles (0.00031%); highest among the groups gnomAD compares: Non-Finnish European, 0.00043%; no homozygotes.

Submission:

Ambry Genetics
Classification: Uncertain significance for Hereditary cancer-predisposing syndrome. Last evaluated: 2026-07-31. Review status: criteria provided, single submitter. Criteria: Ambry Variant Classification Scheme 2023. Collection method: clinical testing. Allele origin: germline.
Comment: The p.A734P variant (also known as c.2200G>C), located in coding exon 21 of the RB1 gene, results from a G to C substitution at nucleotide position 2200. The alanine at codon 734 is replaced by proline, an amino acid with highly similar properties. This amino acid position is conserved. In addition, this alteration is predicted to be deleterious by in silico analysis. Based on the available evidence, the clinical significance of this variant remains unclear.

NM_000321.3(RB1):c.2200G>C (p.Ala734Pro)

Gene: RB1 (RB transcriptional corepressor 1; plus strand). Cytogenetic location: 13q14.2.
Variant type: single nucleotide variant.
Coding change: c.2200G>C on transcript NM_000321.3 (MANE Select); coding-DNA position 2200, G replaced by C.
Protein change: p.Ala734Pro; replaces alanine 734 with proline.
Molecular consequence: missense variant.
Genome position (GRCh38, 1-based): chr13:48,463,824, G>C. VCF-style: chr13-48463824-G-C. GRCh37 (hg19) VCF-style: chr13-49037960-G-C.
Other names: c.2200G>C, p.Ala734Pro (NM_001407165.1); short protein forms A734P.
Identifiers: ClinVar variation 5027973 (VCV005027973.1).